The following is an entry in ClinVar:

NM_001329943.3(KIAA0586):c.73G>C (p.Val25Leu)

Gene: KIAA0586 (KIAA0586; plus strand). Cytogenetic location: 14q23.1.
Variant type: single nucleotide variant.
Coding change: c.73G>C on transcript NM_001329943.3 (MANE Select); coding-DNA position 73, G replaced by C.
Protein change: p.Val25Leu; replaces valine 25 with leucine.
Molecular consequence: missense variant. On other transcripts: intron variant (5).
Genome position (GRCh38, 1-based): chr14:58,428,337, G>C. VCF-style: chr14-58428337-G-C. GRCh37 (hg19) VCF-style: chr14-58895055-G-C.
Other names: c.109G>C, p.Val37Leu (NM_001244189.2); c.28G>C, p.Val10Leu (NM_001244190.2); c.73G>C, p.Val25Leu (NM_001329944.2, NM_001329946.2, NM_001329947.2 and 1 more transcripts); c.-57+700G>C (NM_001244192.2, NM_001244191.2); c.-57+524G>C (NM_001364701.2, NM_001329945.2, NM_001364700.1); short protein forms V25L, V10L, V37L.
Identifiers: ClinVar variation 4786324 (VCV004786324.1).

ClinVar aggregate classification (germline): Uncertain significance (1 of 4 stars; one submission).

Conditions:
Short-rib thoracic dysplasia 14 with polydactyly (SRTD14). Identifiers: Orphanet 397715, MedGen C4225286, MONDO:0014688, OMIM 616546.
Joubert syndrome 23 (JBTS23). Identifiers: Orphanet 475, MedGen C4084822, MONDO:0014664, OMIM 616490.

Submission:

Labcorp Genetics (formerly Invitae), Labcorp
Classification: Uncertain significance for Joubert syndrome 23; Short-rib thoracic dysplasia 14 with polydactyly. Last evaluated: 2025-10-05. Review status: criteria provided, single submitter. Criteria: Invitae Variant Classification Sherloc (09022015). Collection method: clinical testing. Allele origin: germline.
Comment: This sequence change replaces valine, which is neutral and non-polar, with leucine, which is neutral and non-polar, at codon 37 of the KIAA0586 protein (p.Val37Leu). This variant is not present in population databases (gnomAD no frequency). This variant has not been reported in the literature in individuals affected with KIAA0586-related conditions. An algorithm developed to predict the effect of missense changes on protein structure and function (PolyPhen-2) suggests that this variant is likely to be tolerated. In summary, the available evidence is currently insufficient to determine the role of this variant in disease. Therefore, it has been classified as a Variant of Uncertain Significance.